The following is an entry in ClinVar:

NM_031844.3(HNRNPU):c.1018-3C>T

Gene: HNRNPU (heterogeneous nuclear ribonucleoprotein U; minus strand). Cytogenetic location: 1q44.
Variant type: single nucleotide variant.
Coding change: c.1018-3C>T on transcript NM_031844.3 (MANE Select); 3 bases into the intron before coding-DNA position 1018, C replaced by T.
Molecular consequence: intron variant.
Genome position (GRCh38, 1-based): chr1:244,859,377, G>A on the plus strand (C>T on the coding strand, the complement: HNRNPU is on the minus strand). VCF-style: chr1-244859377-G-A. GRCh37 (hg19) VCF-style: chr1-245022679-G-A.
Other names: c.961-3C>T (NM_004501.3).
Identifiers: ClinVar variation 4885241 (VCV004885241.2).

ClinVar aggregate classification (germline): Uncertain significance (1 of 4 stars; one submission).

gnomAD v4.1: 1 of 1,394,100 alleles (0.000072%); highest among the groups gnomAD compares: Non-Finnish European, 0.0001%; no homozygotes.

Submission:

Dasa
Classification: Uncertain significance. Last evaluated: 2025-08-24. Review status: criteria provided, single submitter. Criteria: DASA Assertion Criteria. Collection method: clinical testing. Allele origin: germline.
Comment: NM_031844.3(HNRNPU):c.1018-3C>T is a splice-region variant. This variant is rare in population databases. The currently available literature and clinical evidence are not sufficient to establish a definitive association between this variant and the reported condition. Therefore, this variant is classified as a variant of uncertain significance.